The following is an entry in ClinVar:

NC_000017.11:g.59679324_59702065del

Genes: CLTC (clathrin heavy chain; plus strand), PTRH2 (peptidyl-tRNA hydrolase 2; minus strand), LOC125177523 (Sharpr-MPRA regulatory region 12460; plus strand), LOC126862609 (CDK7 strongly-dependent group 2 enhancer GRCh37_chr17:57760547-57761746; plus strand), LOC130061329 (ATAC-STARR-seq lymphoblastoid active region 12513; plus strand). Cytogenetic location: 17q23.1.
Variant type: Deletion.
Identifiers: ClinVar variation 977742 (VCV000977742.4).

ClinVar aggregate classification (germline): Likely pathogenic (1 of 4 stars; one submission).

Conditions:
Intellectual developmental disorder, autosomal dominant 56. Also called: Intellectual disability, autosomal dominant 56; MENTAL RETARDATION, AUTOSOMAL DOMINANT 56. Identifiers: MedGen C4693389, MONDO:0030922, OMIM 617854.

Submission:

Undiagnosed Diseases Network, NIH
Classification: Likely pathogenic for Intellectual developmental disorder, autosomal dominant 56. Last evaluated: 2020-04-01. Review status: criteria provided, single submitter. Criteria: ACMG Guidelines, 2015. Collection method: clinical testing. Allele origin: paternal. Inheritance: Autosomal dominant inheritance. Affected: yes. Observed: 1 variant allele, 1 heterozygote. Study: Undiagnosed Diseases Network (NIH), UDN.